The following is an entry in ClinVar:

ClinVar aggregate classification (germline): Likely benign (1 of 4 stars; one submission).

Conditions:
EP300-related disorder. Also called: EP300-related condition; EP300-related disorders.

gnomAD v4.1: 2 of 1,614,088 alleles (0.00012%); highest among the groups gnomAD compares: South Asian, 0.0011%; no homozygotes.

Submission:

PreventionGenetics, part of Exact Sciences
Classification: Likely benign for EP300-related condition. Last evaluated: 2026-07-02. Review status: criteria provided, single submitter. Criteria: ACMG Guidelines, 2015. Collection method: clinical testing. Allele origin: germline.
Comment: This variant is classified as likely benign based on ACMG/AMP sequence variant interpretation guidelines (Richards et al. 2015 PMID: 25741868, with internal and published modifications).

NM_001429.4(EP300):c.7056A>G (p.Val2352=)

Gene: EP300 (EP300 lysine acetyltransferase; plus strand). Cytogenetic location: 22q13.2.
Variant type: single nucleotide variant.
Coding change: c.7056A>G on transcript NM_001429.4 (MANE Select); coding-DNA position 7056, A replaced by G.
Protein change: p.Val2352=; no amino-acid change (valine 2352 retained).
Molecular consequence: synonymous variant.
Genome position (GRCh38, 1-based): chr22:41,178,767, A>G. VCF-style: chr22-41178767-A-G. GRCh37 (hg19) VCF-style: chr22-41574771-A-G.
Other names: c.6978A>G, p.Val2326= (NM_001362843.2).
Identifiers: ClinVar variation 4999970 (VCV004999970.1).